The following is an entry in ClinVar:

NM_001099271.2(POC5):c.1646C>T (p.Thr549Ile)

Gene: POC5 (POC5 centriolar protein; minus strand). Cytogenetic location: 5q13.3.
Variant type: single nucleotide variant.
Coding change: c.1646C>T on transcript NM_001099271.2 (MANE Select); coding-DNA position 1646, C replaced by T.
Protein change: p.Thr549Ile; replaces threonine 549 with isoleucine.
Molecular consequence: missense variant.
Genome position (GRCh38, 1-based): chr5:75,674,517, G>A on the plus strand (C>T on the coding strand, the complement: POC5 is on the minus strand). VCF-style: chr5-75674517-G-A. GRCh37 (hg19) VCF-style: chr5-74970342-G-A.
Other names: c.1571C>T, p.Thr524Ile (NM_152408.3); short protein forms T549I, T524I.
Identifiers: ClinVar variation 2045839 (VCV002045839.7), dbSNP rs375555924, ClinGen allele CA3310265.

ClinVar aggregate classification (germline): Uncertain significance. Review status: criteria provided, multiple submitters, no conflicts (2 of 4 stars). 3 submissions from 3 submitters: Uncertain significance (2). 1 of the submissions does not count toward it. Last evaluated 2025-02-03.

Conditions:
Retinal dystrophy. Also called: Inherited retinal dystrophy. Identifiers: Orphanet 71862, MedGen C0854723, MeSH D058499, MONDO:0019118, HP:0000556.

Allele frequency attached by ClinVar (database versions not stated): gnomAD 0.00005; ESP Exome Variant Server 0.00008; ExAC 0.00015; TOPMed 0.00004.
gnomAD v4.1: 181 of 1,613,842 alleles (0.011%); highest among the groups gnomAD compares: Non-Finnish European, 0.015%; no homozygotes.

Submissions (3):

Labcorp Genetics (formerly Invitae), Labcorp
Classification: Uncertain significance. Last evaluated: 2025-02-03. Review status: criteria provided, single submitter. Criteria: Invitae Variant Classification Sherloc (09022015). Collection method: clinical testing. Allele origin: germline.
Comment: This sequence change replaces threonine, which is neutral and polar, with isoleucine, which is neutral and non-polar, at codon 549 of the POC5 protein (p.Thr549Ile). This variant is present in population databases (rs375555924, gnomAD 0.02%). This variant has not been reported in the literature in individuals affected with POC5-related conditions. ClinVar contains an entry for this variant (Variation ID: 2045839). An algorithm developed to predict the effect of missense changes on protein structure and function outputs the following: PolyPhen-2: "Benign". The isoleucine amino acid residue is found in multiple mammalian species, which suggests that this missense change does not adversely affect protein function. In summary, the available evidence is currently insufficient to determine the role of this variant in disease. Therefore, it has been classified as a Variant of Uncertain Significance.

Ambry Genetics
Classification: Uncertain significance. Last evaluated: 2025-01-21. Review status: criteria provided, single submitter. Criteria: Ambry Variant Classification Scheme 2023. Collection method: clinical testing. Allele origin: germline.

Institute of Human Genetics, Univ. Regensburg, Univ. Regensburg
Classification: Uncertain significance for Retinal dystrophy. Last evaluated: 2022-01-01. Review status: no assertion criteria provided. Criteria: ACMG Guidelines, 2015. Collection method: clinical testing. Allele origin: germline. Affected: yes. Not counted in ClinVar's aggregate classification.